The following is an entry in ClinVar:

ClinVar aggregate classification (germline): Uncertain significance (1 of 4 stars; one submission).

Submission:

GeneDx
Classification: Uncertain significance. Last evaluated: 2025-01-29. Review status: criteria provided, single submitter. Criteria: GeneDx Variant Classification Process June 2021. Collection method: clinical testing. Allele origin: germline. Affected: yes.
Comment: Not observed at significant frequency in large population cohorts (gnomAD); Has not been previously published as pathogenic or benign to our knowledge; Canonical splice site variant in a gene for which loss-of-function is not an established mechanism of disease

NM_198407.2(GHSR):c.796+1G>C

Gene: GHSR (growth hormone secretagogue receptor; minus strand). Cytogenetic location: 3q26.31.
Variant type: single nucleotide variant.
Coding change: c.796+1G>C on transcript NM_198407.2 (MANE Select); the canonical splice donor site of the intron after coding-DNA position 796, G replaced by C.
Molecular consequence: splice donor variant. On other transcripts: missense variant (1).
Genome position (GRCh38, 1-based): chr3:172,447,617, C>G on the plus strand (G>C on the coding strand, the complement: GHSR is on the minus strand). VCF-style: chr3-172447617-C-G. GRCh37 (hg19) VCF-style: chr3-172165407-C-G.
Other names: c.797G>C, p.Gly266Ala (NM_004122.2); short protein forms G266A.
Identifiers: ClinVar variation 4072570 (VCV004072570.1).